The following is an entry in ClinVar:

NM_000222.3(KIT):c.2697G>T (p.Met899Ile)

Gene: KIT (KIT proto-oncogene, receptor tyrosine kinase; plus strand). Cytogenetic location: 4q12.
Variant type: single nucleotide variant.
Coding change: c.2697G>T on transcript NM_000222.3 (MANE Select); coding-DNA position 2697, G replaced by T.
Protein change: p.Met899Ile; replaces methionine 899 with isoleucine.
Molecular consequence: missense variant.
Genome position (GRCh38, 1-based): chr4:54,737,175, G>T. VCF-style: chr4-54737175-G-T. GRCh37 (hg19) VCF-style: chr4-55603341-G-T.
Other names: c.2685G>T, p.Met895Ile (NM_001093772.2, NM_001385292.1); c.2700G>T, p.Met900Ile (NM_001385284.1); c.2694G>T, p.Met898Ile (NM_001385285.1); c.2682G>T, p.Met894Ile (NM_001385286.1); c.2688G>T, p.Met896Ile (NM_001385288.1); c.2697G>T, p.Met899Ile (NM_001385290.1); short protein forms M895I, M899I, M894I, M896I, M898I, M900I.
Identifiers: ClinVar variation 838460 (VCV000838460.12), dbSNP rs769984428, ClinGen allele CA2923841.

ClinVar aggregate classification (germline): Uncertain significance. Review status: criteria provided, multiple submitters, no conflicts (2 of 4 stars). 2 submissions from 2 submitters: Uncertain significance (2). Last evaluated 2025-10-29.

Conditions:
Hereditary cancer-predisposing syndrome. Also called: Neoplastic Syndromes, Hereditary; Tumor predisposition; Hereditary Cancer Syndrome; Hereditary neoplastic syndrome. Identifiers: Orphanet 140162, MedGen C0027672, MeSH D009386, MONDO:0015356.
Gastrointestinal stromal tumor. Also called: Gastrointestinal stromal tumor, somatic; Gastrointestinal stroma tumor. Identifiers: Orphanet 44890, MedGen C0238198, MeSH D046152, MONDO:0011719, OMIM 606764, HP:0100723.

Allele frequency attached by ClinVar (database versions not stated): gnomAD exomes below 0.00001; ExAC 0.00002.
gnomAD v4.1: 1 of 1,605,866 alleles (0.000062%); highest among the groups gnomAD compares: Admixed American, 0.0017%; no homozygotes.

Submissions (2):

Ambry Genetics
Classification: Uncertain significance for Hereditary cancer-predisposing syndrome. Last evaluated: 2025-10-29. Review status: criteria provided, single submitter. Criteria: Ambry Variant Classification Scheme 2023. Collection method: clinical testing. Allele origin: germline.
Comment: The p.M899I variant (also known as c.2697G>T) is located in coding exon 20 of the KIT gene. The methionine at codon 899 is replaced by isoleucine, an amino acid with highly similar properties. This change occurs in the first base pair of coding exon 20. This amino acid position is conserved. In addition, the in silico prediction for this alteration is inconclusive. Since supporting evidence is limited at this time, the clinical significance of this alteration remains unclear.

Labcorp Genetics (formerly Invitae), Labcorp
Classification: Uncertain significance for Gastrointestinal stromal tumor. Last evaluated: 2025-05-19. Review status: criteria provided, single submitter. Criteria: Invitae Variant Classification Sherloc (09022015). Collection method: clinical testing. Allele origin: germline.
Comment: This sequence change replaces methionine, which is neutral and non-polar, with isoleucine, which is neutral and non-polar, at codon 899 of the KIT protein (p.Met899Ile). This variant is not present in population databases (gnomAD no frequency). This variant has not been reported in the literature in individuals affected with KIT-related conditions. ClinVar contains an entry for this variant (Variation ID: 838460). An algorithm developed to predict the effect of missense changes on protein structure and function outputs the following: PolyPhen-2: "Benign". The isoleucine amino acid residue is found in multiple mammalian species, which suggests that this missense change does not adversely affect protein function. In summary, the available evidence is currently insufficient to determine the role of this variant in disease. Therefore, it has been classified as a Variant of Uncertain Significance.